The following is an entry in ClinVar:

NM_139125.4(MASP1):c.863G>A (p.Arg288Gln)

Gene: MASP1 (MBL associated serine protease 1; minus strand). Cytogenetic location: 3q27.3.
Variant type: single nucleotide variant.
Coding change: c.863G>A on transcript NM_139125.4 (MANE Select); coding-DNA position 863, G replaced by A.
Protein change: p.Arg288Gln; replaces arginine 288 with glutamine.
Molecular consequence: missense variant. On other transcripts: non-coding transcript variant (1).
Genome position (GRCh38, 1-based): chr3:187,253,197, C>T on the plus strand (G>A on the coding strand, the complement: MASP1 is on the minus strand). VCF-style: chr3-187253197-C-T. GRCh37 (hg19) VCF-style: chr3-186970985-C-T.
Other names: c.863G>A, p.Arg288Gln (NM_001031849.3, NM_001879.6); short protein forms R288Q.
Identifiers: ClinVar variation 285534 (VCV000285534.22), dbSNP rs116001173, ClinGen allele CA2749495.
Genomic context (GRCh38, chr3:187,253,197, plus strand): 5'-GCTCGGTGTGACCTGGGAGGGAAGAGGTTACCTGCAGCCCTGTATGAGAGCCTCCAGCCC[C>T]GGTTCTCTCCCGAGTTGTCACTATGGAACAGGATCAGGACACTGTGGCTCTGGGTGCTGA-3'
Protein context (NP_624302.1, residues 278-298): LFHSDNSGEN[Arg288Gln]GWRLSYRAAG

ClinVar aggregate classification (germline): Conflicting classifications of pathogenicity. Review status: criteria provided, conflicting classifications (1 of 4 stars). 7 submissions from 7 submitters: Uncertain significance (1); Benign (1); Likely benign (4). 1 of the submissions does not count toward it. Last evaluated 2025-12-23.

Conditions:
MASP1-related disorder. Also called: MASP1-related condition.
Inborn genetic diseases. Identifiers: MedGen C0950123, MeSH D030342.
3MC syndrome 1. Also called: CRANIOSYNOSTOSIS WITH LID ANOMALIES; OCULOPALATOSKELETAL SYNDROME; MICHELS SYNDROME. Identifiers: Orphanet 293843, MedGen C0796059, MONDO:0009770, OMIM 257920.

Allele frequency attached by ClinVar (database versions not stated): gnomAD exomes 0.00018 and 0.00028; 1000 Genomes Project 30x 0.00078; 1000 Genomes Project 0.00080; gnomAD 0.00109 and 0.00116; TOPMed 0.00130; ESP Exome Variant Server 0.00131.
gnomAD v4.1: 427 of 1,614,108 alleles (0.026%); highest among the groups gnomAD compares: African/African-American, 0.4%; 3 homozygotes.

Submissions (7):

Labcorp Genetics (formerly Invitae), Labcorp
Classification: Benign for 3MC syndrome 1. Last evaluated: 2025-12-23. Review status: criteria provided, single submitter. Criteria: Invitae Variant Classification Sherloc (09022015). Collection method: clinical testing. Allele origin: germline.

Blueprint Genetics
Classification: Likely benign. Last evaluated: 2024-10-01. Review status: criteria provided, single submitter. Criteria: ACMG Guidelines, 2015. Collection method: clinical testing. Allele origin: germline.

Ambry Genetics
Classification: Likely benign for Inborn genetic diseases. Last evaluated: 2021-12-15. Review status: criteria provided, single submitter. Criteria: Ambry Variant Classification Scheme 2023. Collection method: clinical testing. Allele origin: germline.

GeneDx
Classification: Likely benign. Last evaluated: 2020-12-02. Review status: criteria provided, single submitter. Criteria: GeneDx Variant Classification Process June 2021. Collection method: clinical testing. Allele origin: germline. Affected: yes.

Mayo Clinic Laboratories, Mayo Clinic
Classification: Uncertain significance for 3MC syndrome 1. Last evaluated: 2016-09-23. Review status: criteria provided, single submitter. Criteria: ACMG Guidelines, 2015. Collection method: clinical testing. Allele origin: biparental.

Eurofins Ntd Llc (ga)
Classification: Likely benign. Last evaluated: 2016-01-19. Review status: criteria provided, single submitter. Criteria: EGL Classification Definitions 2015. Collection method: clinical testing. Allele origin: germline. Observed: 1 variant allele, 1 heterozygote.

PreventionGenetics, part of Exact Sciences
Classification: Likely benign for MASP1-related condition. Last evaluated: 2023-04-25. Review status: no assertion criteria provided. Collection method: clinical testing. Allele origin: germline. Not counted in ClinVar's aggregate classification.
Comment: This variant is classified as likely benign based on ACMG/AMP sequence variant interpretation guidelines (Richards et al. 2015 PMID: 25741868, with internal and published modifications).